The following is an entry in ClinVar:

NC_000006.11:g.(?_157099064)_(157150575_?)del

Gene: ARID1B (AT-rich interaction domain 1B; plus strand). Cytogenetic location: 6q25.3.
Variant type: Deletion.
Identifiers: ClinVar variation 2426584 (VCV002426584.4).

ClinVar aggregate classification (germline): Pathogenic (1 of 4 stars; one submission).

Submission:

Labcorp Genetics (formerly Invitae), Labcorp
Classification: Pathogenic. Last evaluated: 2021-12-21. Review status: criteria provided, single submitter. Criteria: Invitae Variant Classification Sherloc (09022015). Collection method: clinical testing. Allele origin: germline.
Comment: For these reasons, this variant has been classified as Pathogenic. This variant has not been reported in the literature in individuals affected with ARID1B-related conditions. This variant is a gross deletion of the genomic region encompassing exon(s) 1-2 of the ARID1B gene, which includes the initiator codon. This deletion extends beyond the assayed region for this gene and therefore may encompass additional genes. It is expected to result in an absent or disrupted protein product. Loss-of-function variants in ARID1B are known to be pathogenic (PMID: 25674384, 30349098).

Literature cited by the submitters: PubMed 25674384; PubMed 30349098.